The following is an entry in ClinVar:

NM_014874.4(MFN2):c.2112C>T (p.Asp704=)

Gene: MFN2 (mitofusin 2; plus strand). Cytogenetic location: 1p36.22.
Variant type: single nucleotide variant.
Coding change: c.2112C>T on transcript NM_014874.4 (MANE Select); coding-DNA position 2112, C replaced by T.
Protein change: p.Asp704=; no amino-acid change (aspartic acid 704 retained).
Molecular consequence: synonymous variant.
Genome position (GRCh38, 1-based): chr1:12,009,634, C>T. VCF-style: chr1-12009634-C-T. GRCh37 (hg19) VCF-style: chr1-12069691-C-T.
Other names: c.2112C>T, p.Asp704= (NM_001127660.2).
Identifiers: ClinVar variation 513873 (VCV000513873.15), dbSNP rs374371748, ClinGen allele CA599337.

ClinVar aggregate classification (germline): Likely benign. Review status: criteria provided, multiple submitters, no conflicts (2 of 4 stars). 7 submissions from 7 submitters: Likely benign (7). Last evaluated 2026-01-27.

Conditions:
Inborn genetic diseases. Identifiers: MedGen C0950123, MeSH D030342.
Charcot-Marie-Tooth disease type 2. Also called: Charcot-Marie-Tooth type 2. Identifiers: Orphanet 64746, MedGen C0270914, MONDO:0018993.
Charcot-Marie-Tooth disease. Also called: Charcot-Marie-Tooth Neuropathy; Charcot-Marie-Tooth Hereditary Neuropathy. Identifiers: Orphanet 166, MedGen C0007959, MONDO:0015626.

Allele frequency attached by ClinVar (database versions not stated): gnomAD exomes 0.00002 and 0.00003; ExAC 0.00003; TOPMed 0.00007; ESP Exome Variant Server 0.00008; gnomAD 0.00008 and 0.00010.
gnomAD v4.1: 52 of 1,614,204 alleles (0.0032%); highest among the groups gnomAD compares: African/African-American, 0.032%; no homozygotes.

Submissions (7):

Labcorp Genetics (formerly Invitae), Labcorp
Classification: Likely benign for Charcot-Marie-Tooth disease type 2. Last evaluated: 2026-01-27. Review status: criteria provided, single submitter. Criteria: Invitae Variant Classification Sherloc (09022015). Collection method: clinical testing. Allele origin: germline.

Athena Diagnostics
Classification: Likely benign. Last evaluated: 2024-11-18. Review status: criteria provided, single submitter. Criteria: Athena Diagnostics Criteria. Collection method: clinical testing. Allele origin: unknown.

Blueprint Genetics
Classification: Likely benign. Last evaluated: 2023-12-27. Review status: criteria provided, single submitter. Criteria: ACMG Guidelines, 2015. Collection method: clinical testing. Allele origin: germline.

Ambry Genetics
Classification: Likely benign for Inborn genetic diseases. Last evaluated: 2019-07-11. Review status: criteria provided, single submitter. Criteria: Ambry Variant Classification Scheme 2023. Collection method: clinical testing. Allele origin: germline.

GeneDx
Classification: Likely benign. Last evaluated: 2017-12-05. Review status: criteria provided, single submitter. Criteria: GeneDx Variant Classification (06012015). Collection method: clinical testing. Allele origin: germline. Affected: yes.
Comment: This variant is considered likely benign or benign based on one or more of the following criteria: it is a conservative change, it occurs at a poorly conserved position in the protein, it is predicted to be benign by multiple in silico algorithms, and/or has population frequency not consistent with disease.

Breakthrough Genomics
Classification: Likely benign. Review status: criteria provided, single submitter. Criteria: ACMG Guidelines, 2015. Collection method: not provided. Allele origin: germline. Inheritance: Autosomal recessive inheritance. Affected: yes.

Molecular Genetics Laboratory, London Health Sciences Centre
Classification: Likely benign for Charcot-Marie-Tooth disease. Review status: criteria provided, single submitter. Criteria: ACMG Guidelines, 2015. Collection method: clinical testing. Allele origin: germline. Affected: yes.